The following is an entry in ClinVar:

NM_006231.4(POLE):c.62+5G>A

Genes: POLE (DNA polymerase epsilon, catalytic subunit; minus strand), LOC130009266 (ATAC-STARR-seq lymphoblastoid silent region 5123; plus strand). Cytogenetic location: 12q24.33.
Variant type: single nucleotide variant.
Coding change: c.62+5G>A on transcript NM_006231.4 (MANE Select); 5 bases into the intron after coding-DNA position 62, G replaced by A.
Molecular consequence: intron variant.
Genome position (GRCh38, 1-based): chr12:132,687,249, C>T on the plus strand (G>A on the coding strand, the complement: POLE is on the minus strand). VCF-style: chr12-132687249-C-T. GRCh37 (hg19) VCF-style: chr12-133263835-C-T.
Identifiers: ClinVar variation 405710 (VCV000405710.18), dbSNP rs1037695225, ClinGen allele CA16613753.

ClinVar aggregate classification (germline): Uncertain significance. Review status: criteria provided, multiple submitters, no conflicts (2 of 4 stars). 3 submissions from 3 submitters: Uncertain significance (3). Last evaluated 2025-01-28.

Conditions:
Hereditary cancer-predisposing syndrome. Also called: Hereditary Cancer Syndrome; Hereditary neoplastic syndrome; Neoplastic Syndromes, Hereditary; Tumor predisposition. Identifiers: Orphanet 140162, MedGen C0027672, MeSH D009386, MONDO:0015356.

Allele frequency attached by ClinVar (database versions not stated): gnomAD 0.00003 and 0.00004; TOPMed 0.00004.
gnomAD v4.1: 6 of 1,493,284 alleles (0.0004%); highest among the groups gnomAD compares: African/African-American, 0.0072%; no homozygotes.

Submissions (3):

Labcorp Genetics (formerly Invitae), Labcorp
Classification: Uncertain significance. Last evaluated: 2025-01-28. Review status: criteria provided, single submitter. Criteria: Invitae Variant Classification Sherloc (09022015). Collection method: clinical testing. Allele origin: germline.
Comment: This sequence change falls in intron 1 of the POLE gene. It does not directly change the encoded amino acid sequence of the POLE protein. It affects a nucleotide within the consensus splice site. This variant is not present in population databases (gnomAD no frequency). This variant has not been reported in the literature in individuals affected with POLE-related conditions. ClinVar contains an entry for this variant (Variation ID: 405710). Variants that disrupt the consensus splice site are a relatively common cause of aberrant splicing (PMID: 17576681, 9536098). Studies have shown that this variant is associated with inconclusive levels of altered splicing (internal data). In summary, the available evidence is currently insufficient to determine the role of this variant in disease. Therefore, it has been classified as a Variant of Uncertain Significance.

Ambry Genetics
Classification: Uncertain significance for Hereditary cancer-predisposing syndrome. Last evaluated: 2024-12-03. Review status: criteria provided, single submitter. Criteria: Ambry Variant Classification Scheme 2023. Collection method: clinical testing. Allele origin: germline.
Comment: The c.62+5G>A intronic variant results from a G to A substitution 5 nucleotides after coding exon 1 in the POLE gene. This nucleotide position is well conserved in available vertebrate species. In silico splice site analysis predicts that this alteration will not have any significant effect on splicing. Based on the available evidence, the clinical significance of this variant remains unclear.

GeneDx
Classification: Uncertain significance. Last evaluated: 2024-03-13. Review status: criteria provided, single submitter. Criteria: GeneDx Variant Classification Process June 2021. Collection method: clinical testing. Allele origin: germline. Affected: yes.
Comment: Not observed at significant frequency in large population cohorts (gnomAD); In silico analysis supports that this variant does not alter splicing; Has not been previously published as pathogenic or benign to our knowledge

Literature cited by the submitters: PubMed 17576681 (cited by Labcorp Genetics (formerly Invitae), Labcorp); PubMed 9536098 (cited by Labcorp Genetics (formerly Invitae), Labcorp).